The following is an entry in ClinVar:

ClinVar aggregate classification (germline): Benign/Likely benign. Review status: criteria provided, multiple submitters, no conflicts (2 of 4 stars). 3 submissions from 3 submitters: Benign (1); Likely benign (1). 1 of the submissions does not count toward it. Last evaluated 2026-01-06.

Conditions:
CHD7-related disorder. Also called: CHD7-related condition.
Inborn genetic diseases. Identifiers: MedGen C0950123, MeSH D030342.
CHARGE syndrome (CHARGE). Also called: Coloboma, heart anomaly, choanal atresia, retardation, genital and ear anomalies; CHARGE association; Hall-Hittner syndrome; Hittner Hirsch Kreh syndrome; CHARGE ASSOCIATION--COLOBOMA, HEART ANOMALY, CHOANAL ATRESIA, RETARDATION, GENITAL AND EAR ANOMALIES. Identifiers: Orphanet 138, MedGen C0265354, MONDO:0008965.

Allele frequency attached by ClinVar (database versions not stated): gnomAD 0.00001; TOPMed 0.00002; ExAC 0.00006; gnomAD exomes 0.00007.
gnomAD v4.1: 60 of 1,613,428 alleles (0.0037%); highest among the groups gnomAD compares: Non-Finnish European, 0.00034%; no homozygotes.

Submissions (3):

Labcorp Genetics (formerly Invitae), Labcorp
Classification: Benign for CHARGE syndrome. Last evaluated: 2026-01-06. Review status: criteria provided, single submitter. Criteria: Invitae Variant Classification Sherloc (09022015). Collection method: clinical testing. Allele origin: germline.

Ambry Genetics
Classification: Likely benign for Inborn genetic diseases. Last evaluated: 2023-03-16. Review status: criteria provided, single submitter. Criteria: Ambry Variant Classification Scheme 2023. Collection method: clinical testing. Allele origin: germline.

PreventionGenetics, part of Exact Sciences
Classification: Likely benign for CHD7-related condition. Last evaluated: 2022-01-19. Review status: no assertion criteria provided. Collection method: clinical testing. Allele origin: germline. Not counted in ClinVar's aggregate classification.
Comment: This variant is classified as likely benign based on ACMG/AMP sequence variant interpretation guidelines (Richards et al. 2015 PMID: 25741868, with internal and published modifications).

NM_017780.4(CHD7):c.3054T>G (p.Pro1018=)

Gene: CHD7 (chromodomain helicase DNA binding protein 7; plus strand). Cytogenetic location: 8q12.2.
Variant type: single nucleotide variant.
Coding change: c.3054T>G on transcript NM_017780.4 (MANE Select); coding-DNA position 3054, T replaced by G.
Protein change: p.Pro1018=; no amino-acid change (proline 1018 retained).
Molecular consequence: synonymous variant. On other transcripts: intron variant (1).
Genome position (GRCh38, 1-based): chr8:60,822,599, T>G. VCF-style: chr8-60822599-T-G. GRCh37 (hg19) VCF-style: chr8-61735158-T-G.
Other names: c.1717-39630T>G (NM_001316690.1).
Identifiers: ClinVar variation 697024 (VCV000697024.13), dbSNP rs201320784, ClinGen allele CA4759882.